The following is an entry in ClinVar:

NM_015202.5(KATNIP):c.8-5G>T

Gene: KATNIP (katanin interacting protein; plus strand). Cytogenetic location: 16p12.1.
Variant type: single nucleotide variant.
Coding change: c.8-5G>T on transcript NM_015202.5 (MANE Select); 5 bases into the intron before coding-DNA position 8, G replaced by T.
Molecular consequence: intron variant.
Genome position (GRCh38, 1-based): chr16:27,573,896, G>T. VCF-style: chr16-27573896-G-T. GRCh37 (hg19) VCF-style: chr16-27585217-G-T.
Identifiers: ClinVar variation 2419227 (VCV002419227.2), dbSNP rs779504618, ClinGen allele CA7977171.

ClinVar aggregate classification (germline): Uncertain significance (1 of 4 stars; one submission).

gnomAD v4.1: 13 of 1,613,938 alleles (0.00081%); highest among the groups gnomAD compares: Admixed American, 0.02%; no homozygotes.

Submission:

Labcorp Genetics (formerly Invitae), Labcorp
Classification: Uncertain significance. Last evaluated: 2022-08-20. Review status: criteria provided, single submitter. Criteria: Invitae Variant Classification Sherloc (09022015). Collection method: clinical testing. Allele origin: germline.
Comment: This sequence change falls in intron 1 of the KIAA0556 gene. It does not directly change the encoded amino acid sequence of the KIAA0556 protein. This variant is present in population databases (rs779504618, gnomAD 0.02%). This variant has not been reported in the literature in individuals affected with KIAA0556-related conditions. Algorithms developed to predict the effect of sequence changes on RNA splicing suggest that this variant may create or strengthen a splice site. In summary, the available evidence is currently insufficient to determine the role of this variant in disease. Therefore, it has been classified as a Variant of Uncertain Significance.